The following is an entry in ClinVar:

NM_001330588.2(TPP2):c.2021-20TTCT[2]

Gene: TPP2 (tripeptidyl peptidase 2; plus strand). Cytogenetic location: 13q33.1.
Variant type: Microsatellite.
Coding change: c.2021-20TTCT[2] on transcript NM_001330588.2 (MANE Select); two copies in a row of the 4-base unit TTCT starting at c.2021-20.
Molecular consequence: intron variant.
Genome position: GRCh38 VCF-style: chr13-102643201-CTTCT-C. GRCh37 (hg19) VCF-style: chr13-103295551-CTTCT-C.
Other names: c.2021-20TTCT[2] (NM_001367947.1, NM_003291.4).
Identifiers: ClinVar variation 1168167 (VCV001168167.11), dbSNP rs3831119, ClinGen allele CA7037905.

ClinVar aggregate classification (germline): Benign. Review status: criteria provided, multiple submitters, no conflicts (2 of 4 stars). 2 submissions from 2 submitters: Benign (2). Last evaluated 2026-02-04.

Conditions:
Evans syndrome, immunodeficiency, and premature immunosenescence associated with tripeptidyl-peptidase II deficiency. Identifiers: MedGen CN231723. Disease mechanism: loss of function.

Submissions (2):

Labcorp Genetics (formerly Invitae), Labcorp
Classification: Benign for Evans syndrome, immunodeficiency, and premature immunosenescence associated with tripeptidyl-peptidase II deficiency. Last evaluated: 2026-02-04. Review status: criteria provided, single submitter. Criteria: Invitae Variant Classification Sherloc (09022015). Collection method: clinical testing. Allele origin: germline.

Unidad de Genómica Garrahan, Hospital de Pediatría Garrahan
Classification: Benign. Last evaluated: 2023-11-12. Review status: criteria provided, single submitter. Criteria: ACMG Guidelines, 2015. Collection method: clinical testing. Allele origin: germline. Affected: no. Observed: 53 variant alleles.
Comment: This variant is classified as Benign based on local population frequency. This variant was detected in 55% of patients studied by a panel of primary immunodeficiencies. Number of patients: 53. Only high quality variants are reported.